The following is an entry in ClinVar:

NM_022436.3(ABCG5):c.*380T>G

Genes: ABCG5 (ATP binding cassette subfamily G member 5; minus strand), DYNC2LI1 (dynein cytoplasmic 2 light intermediate chain 1; plus strand). Cytogenetic location: 2p21.
Variant type: single nucleotide variant.
Coding change: c.*380T>G on transcript NM_022436.3 (MANE Select); 380 bases downstream of the stop codon, T replaced by G.
Molecular consequence: 3 prime UTR variant. On other transcripts: intron variant (2).
Genome position (GRCh38, 1-based): chr2:43,812,736, A>C on the plus strand (T>G on the coding strand, the complement: ABCG5 is on the minus strand). VCF-style: chr2-43812736-A-C. GRCh37 (hg19) VCF-style: chr2-44039875-A-C.
Other names: c.*15+2212A>C (NM_001348913.2, NM_001348912.2).
Identifiers: ClinVar variation 336031 (VCV000336031.11), dbSNP rs2278356, ClinGen allele CA10613350.

ClinVar aggregate classification (germline): Benign. Review status: criteria provided, multiple submitters, no conflicts (2 of 4 stars). 3 submissions from 3 submitters: Benign (3). Last evaluated 2019-04-19.

Conditions:
Sitosterolemia 1. Identifiers: MedGen C2749759, MONDO:0020747, OMIM 210250.

Allele frequency attached by ClinVar (database versions not stated): gnomAD exomes 0.34430; gnomAD 0.42073; 1000 Genomes Project 0.45727; TOPMed 0.45505; 1000 Genomes Project 30x 0.47111.
gnomAD v4.1: 82,083 of 197,730 alleles (42%); highest among the groups gnomAD compares: African/African-American, 66%; 19,353 homozygotes.

Submissions (3):

GeneDx
Classification: Benign. Last evaluated: 2019-04-19. Review status: criteria provided, single submitter. Criteria: GeneDx Variant Classification Process June 2021. Collection method: clinical testing. Allele origin: germline. Affected: yes.
Comment: This variant is associated with the following publications: (PMID: 29066094)

Illumina Laboratory Services, Illumina
Classification: Benign for Sitosterolemia 1. Last evaluated: 2018-01-12. Review status: criteria provided, single submitter. Criteria: ICSL Variant Classification Criteria 13 December 2019. Collection method: clinical testing. Allele origin: germline.
Comment: This variant was observed in the ICSL laboratory as part of a predisposition screen in an ostensibly healthy population. It had not been previously curated by ICSL or reported in the Human Gene Mutation Database (HGMD: prior to June 1st, 2018), and was therefore a candidate for classification through an automated scoring system. Utilizing variant allele frequency, disease prevalence and penetrance estimates, and inheritance mode, an automated score was calculated to assess if this variant is too frequent to cause the disease. Based on the score and internal cut-off values, a variant classified as benign is not then subjected to further curation. The score for this variant resulted in a classification of benign for this disease.

Breakthrough Genomics
Classification: Benign. Review status: criteria provided, single submitter. Criteria: ACMG Guidelines, 2015. Collection method: not provided. Allele origin: germline. Inheritance: Autosomal recessive inheritance. Affected: yes.